The following is an entry in ClinVar:

NM_012186.3(FOXE3):c.217C>G (p.Pro73Ala)

Genes: FOXE3 (forkhead box E3; plus strand), LINC01389 (long independently transcribed non-coding RNA 1389; minus strand). Cytogenetic location: 1p33.
Variant type: single nucleotide variant.
Coding change: c.217C>G on transcript NM_012186.3 (MANE Select); coding-DNA position 217, C replaced by G.
Protein change: p.Pro73Ala; replaces proline 73 with alanine.
Molecular consequence: missense variant.
Genome position (GRCh38, 1-based): chr1:47,416,532, C>G. VCF-style: chr1-47416532-C-G. GRCh37 (hg19) VCF-style: chr1-47882204-C-G.
Other names: c.217C>G (NM_012186.2); short protein forms P73A.
Identifiers: ClinVar variation 2926506 (VCV002926506.4), dbSNP rs1261186118, ClinGen allele CA340249262.

ClinVar aggregate classification (germline): Uncertain significance. Review status: criteria provided, multiple submitters, no conflicts (2 of 4 stars). 2 submissions from 2 submitters: Uncertain significance (2). Last evaluated 2024-12-24.

Conditions:
Anterior segment dysgenesis. Also called: Ocular anterior segment dysgenesis. Identifiers: Orphanet 88632, MedGen C1862839, MONDO:0019503, HP:0007700.
Congenital primary aphakia. Also called: Anterior segment dysgenesis 2, multiple subtypes; ANTERIOR SEGMENT DYSGENESIS 2. Identifiers: Orphanet 83461, MedGen C1853230, MONDO:0012456, OMIM 610256.
Cardiovascular phenotype. Identifiers: MedGen CN230736.

Allele frequency attached by ClinVar (database versions not stated): gnomAD exomes below 0.00001; TOPMed below 0.00001.

Submissions (2):

Labcorp Genetics (formerly Invitae), Labcorp
Classification: Uncertain significance for Anterior segment dysgenesis; Congenital primary aphakia. Last evaluated: 2024-12-24. Review status: criteria provided, single submitter. Criteria: Invitae Variant Classification Sherloc (09022015). Collection method: clinical testing. Allele origin: germline.
Comment: This sequence change replaces proline, which is neutral and non-polar, with alanine, which is neutral and non-polar, at codon 73 of the FOXE3 protein (p.Pro73Ala). This variant is not present in population databases (gnomAD no frequency). This variant has not been reported in the literature in individuals affected with FOXE3-related conditions. ClinVar contains an entry for this variant (Variation ID: 2926506). Invitae Evidence Modeling of protein sequence and biophysical properties (such as structural, functional, and spatial information, amino acid conservation, physicochemical variation, residue mobility, and thermodynamic stability) has been performed for this missense variant. However, the output from this modeling did not meet the statistical confidence thresholds required to predict the impact of this variant on FOXE3 protein function. In summary, the available evidence is currently insufficient to determine the role of this variant in disease. Therefore, it has been classified as a Variant of Uncertain Significance.

Ambry Genetics
Classification: Uncertain significance for Cardiovascular phenotype. Last evaluated: 2024-04-05. Review status: criteria provided, single submitter. Criteria: Ambry Variant Classification Scheme 2023. Collection method: clinical testing. Allele origin: germline.
Comment: The p.P73A variant (also known as c.217C>G), located in coding exon 1 of the FOXE3 gene, results from a C to G substitution at nucleotide position 217. The proline at codon 73 is replaced by alanine, an amino acid with highly similar properties. This amino acid position is conserved. In addition, this alteration is predicted to be deleterious by in silico analysis. Based on the available evidence, the clinical significance of this variant remains unclear.